The following is an entry in ClinVar:

ClinVar aggregate classification (germline): Pathogenic. Review status: criteria provided, multiple submitters, no conflicts (2 of 4 stars). 8 submissions from 8 submitters: Pathogenic (7). 1 of the submissions does not count toward it. Last evaluated 2025-09-12.

Conditions:
Nonsyndromic genetic hearing loss. Also called: Non-syndromic genetic deafness; Nonsyndromic hearing loss and deafness; Nonsyndromic genetic deafness. Identifiers: Orphanet 87884, MedGen C5680182, MONDO:0019497.
Waardenburg syndrome type 2A (WS2A). Also called: WAARDENBURG SYNDROME WITHOUT DYSTOPIA CANTHORUM. Identifiers: Orphanet 3440, MedGen C1860339, MONDO:0008671, OMIM 193510.
Monogenic hearing loss.
Tietz syndrome (TADS). Also called: HYPOPIGMENTATION/DEAFNESS OF TIETZ; TIETZ ALBINISM-DEAFNESS SYNDROME; ALBINISM-DEAFNESS OF TIETZ. Identifiers: Orphanet 42665, MedGen C0391816, MONDO:0007077, OMIM 103500.
Melanoma, cutaneous malignant, susceptibility to, 8. Also called: Cutaneous malignant melanoma 8; MELANOMA AND RENAL CELL CARCINOMA, SUSCEPTIBILITY TO. Identifiers: Orphanet 293822, MedGen C3152204, MONDO:0013759, OMIM 614456.

Submissions (8):

Genetics Laboratory, Great Ormond Street Hospital NHS Foundation Trust, North Thames Genomic Laboratory Hub
Classification: Pathogenic for Monogenic hearing loss. Last evaluated: 2025-09-12. Review status: criteria provided, single submitter. Criteria: ACGS Best Practice Guidelines for Variant Classification in Rare Disease 2024 v1.2. Collection method: clinical testing. Allele origin: germline. Affected: yes.
Comment: PS4_moderate, PM2_moderate, PVS1_strong, PP1_moderate, PP4_supporting

Laboratory of Genetics, Children's Clinical University Hospital Latvia
Classification: Pathogenic. Last evaluated: 2025-02-16. Review status: criteria provided, single submitter. Criteria: ACMG Guidelines, 2015. Collection method: clinical testing. Allele origin: germline. Affected: yes.

GeneDx
Classification: Pathogenic. Last evaluated: 2024-04-03. Review status: criteria provided, single submitter. Criteria: GeneDx Variant Classification Process June 2021. Collection method: clinical testing. Allele origin: germline. Affected: yes.
Comment: Nonsense variant in the C-terminus predicted to result in protein truncation, as the last 127 amino acids are lost, and other loss-of-function variants have been reported downstream in the Human Gene Mutation Database (HGMD); Not observed at significant frequency in large population cohorts (gnomAD); This variant is associated with the following publications: (PMID: 28690485, 34997062, 31992338, 34142234)

Labcorp Genetics (formerly Invitae), Labcorp
Classification: Pathogenic for Melanoma, cutaneous malignant, susceptibility to, 8; Waardenburg syndrome type 2A; Tietz syndrome. Last evaluated: 2024-03-27. Review status: criteria provided, single submitter. Criteria: Invitae Variant Classification Sherloc (09022015). Collection method: clinical testing. Allele origin: germline.
Comment: This sequence change creates a premature translational stop signal (p.Arg293*) in the MITF gene. It is expected to result in an absent or disrupted protein product. Loss-of-function variants in MITF are known to be pathogenic (PMID: 8659547, 20127975). This variant is not present in population databases (gnomAD no frequency). This premature translational stop signal has been observed in individual(s) with autosomal dominant MITF-related conditions (PMID: 28690485, 34142234, 34997062). It has also been observed to segregate with disease in related individuals. ClinVar contains an entry for this variant (Variation ID: 995923). Algorithms developed to predict the effect of sequence changes on RNA splicing suggest that this variant may disrupt the consensus splice site. For these reasons, this variant has been classified as Pathogenic.

INGEBI, INGEBI / CONICET
Classification: Pathogenic for Nonsyndromic genetic hearing loss. Last evaluated: 2021-07-15. Review status: criteria provided, single submitter. Criteria: ClinGen HL ACMG Specifications v1. Collection method: clinical testing. Allele origin: germline. Inheritance: Autosomal dominant inheritance. Affected: yes. Observed: 10 variant alleles, 10 heterozygotes.
Comment: Based on ACMG/AMP guidelines and Hearing Loss Expert Panel specific criteria:The c.877 C>T (p.Arg293*) in MITF gene is absent from population database (gnomAD) meeting PM2. This variant is predicted to generate a premature stop codon (more than 10% of the protein lost) applying to PVS1_Strong. It was reported in a family case with WS2 (PMID: 28690485). Besides, a family with autosomal dominant non-syndromic hearing loss exhibited this variant segregating in 5 affected relatives applyring to PP1_Strong (Internal data:Laboratory of Physiology and Genetics of Hearing). Considering all this information together: PM2, PVS1_S and PP1_Strong the c.877 C>T variant is classified as Pathogenic

Institute of Medical Genetics and Applied Genomics, University Hospital Tübingen
Classification: Pathogenic. Last evaluated: 2021-06-17. Review status: criteria provided, single submitter. Criteria: ACMG Guidelines, 2015. Collection method: clinical testing. Allele origin: germline. Inheritance: Autosomal dominant inheritance. Affected: yes.

Genetic Testing Center for Deafness, Department of Otolaryngology Head & Neck Surgery, Institute of Otolaryngology, Chinese PLA General Hospital
Classification: Pathogenic for Waardenburg syndrome type 2A. Last evaluated: 2019-01-01. Review status: criteria provided, single submitter. Criteria: ACMG Guidelines, 2015. Collection method: clinical testing. Allele origin: de novo. Affected: yes.

Deafness Molecular Diagnostic Center, Chinese PLA General Hospital
Classification: Likely pathogenic for Waardenburg syndrome type 2A. Review status: no assertion criteria provided. Criteria: ACMG Guidelines, 2015. Collection method: case-control. Allele origin: maternal. Affected: yes. Not counted in ClinVar's aggregate classification.

Literature cited by the submitters: PubMed 8659547 (cited by Labcorp Genetics (formerly Invitae), Labcorp); PubMed 20127975 (cited by Labcorp Genetics (formerly Invitae), Labcorp); PubMed 28690485 (cited by Labcorp Genetics (formerly Invitae), Labcorp and INGEBI, INGEBI / CONICET); PubMed 34142234 (cited by Labcorp Genetics (formerly Invitae), Labcorp); PubMed 34997062 (cited by Labcorp Genetics (formerly Invitae), Labcorp).

NM_001354604.2(MITF):c.1198C>T (p.Arg400Ter)

Gene: MITF (melanocyte inducing transcription factor; plus strand). Cytogenetic location: 3p13.
Variant type: single nucleotide variant.
Coding change: c.1198C>T on transcript NM_001354604.2 (MANE Select); coding-DNA position 1198, C replaced by T.
Protein change: p.Arg400Ter; replaces arginine 400 with a stop codon.
Molecular consequence: nonsense.
Genome position (GRCh38, 1-based): chr3:69,964,865, C>T. VCF-style: chr3-69964865-C-T. GRCh37 (hg19) VCF-style: chr3-70014016-C-T.
Other names: c.877C>T, p.Arg293Ter (NM_000248.4); c.1024C>T, p.Arg342Ter (NM_001184967.2, NM_001354608.2); c.1195C>T, p.Arg399Ter (NM_001354605.2); c.1177C>T, p.Arg393Ter (NM_001354606.2, NM_006722.3); c.1129C>T, p.Arg377Ter (NM_001354607.2); c.859C>T, p.Arg287Ter (NM_198158.3); c.1180C>T, p.Arg394Ter (NM_198159.3); c.1132C>T, p.Arg378Ter (NM_198177.3); and 1 more; short protein forms R231*, R287*, R293*, R342*, R377*, R378*, R393*, R394*.
Identifiers: ClinVar variation 995923 (VCV000995923.13), dbSNP rs1464157509, ClinGen allele CA353559346.
Genomic context (GRCh38, chr3:69,964,865, plus strand): 5'-TGCTCTGCCTATTTCAGTGTTTTATCTTTACTCTTATTATAGGAACTTGAAATGCAGGCT[C>T]GAGCTCATGGACTTTCCCTTATTCCATCCACGGGTCTCTGCTCTCCAGATTTGGTGAATC-3'